The following is an entry in ClinVar:

NM_006180.6(NTRK2):c.983A>G (p.Lys328Arg)

Gene: NTRK2 (neurotrophic receptor tyrosine kinase 2; plus strand). Cytogenetic location: 9q21.33.
Variant type: single nucleotide variant.
Coding change: c.983A>G on transcript NM_006180.6 (MANE Select); coding-DNA position 983, A replaced by G.
Protein change: p.Lys328Arg; replaces lysine 328 with arginine.
Molecular consequence: missense variant.
Genome position (GRCh38, 1-based): chr9:84,727,783, A>G. VCF-style: chr9-84727783-A-G. GRCh37 (hg19) VCF-style: chr9-87342698-A-G.
Other names: c.983A>G, p.Lys328Arg (NM_001007097.3, NM_001018064.3, NM_001018065.2 and 16 more transcripts); c.944A>G, p.Lys315Arg (NM_001291937.2, NM_001369546.1); c.515A>G, p.Lys172Arg (NM_001369535.1, NM_001369536.1, NM_001369550.1 and 2 more transcripts); short protein forms K172R, K315R, K328R.
Identifiers: ClinVar variation 3371572 (VCV003371572.1).
Genomic context (GRCh38, chr9:84,727,783, plus strand): 5'-AAGGCAACCCCAAACCAGCGCTTCAGTGGTTCTATAACGGGGCAATATTGAATGAGTCCA[A>G]ATACATCTGTACTAAAATACATGTTACCAATCACACGGAGTACCACGGCTGCCTCCAGCT-3'
Protein context (NP_006171.2, residues 318-338): FYNGAILNES[Lys328Arg]YICTKIHVTN

ClinVar aggregate classification (germline): Uncertain significance (1 of 4 stars; one submission).

Submission:

GeneDx
Classification: Uncertain significance. Last evaluated: 2024-03-28. Review status: criteria provided, single submitter. Criteria: GeneDx Variant Classification Process June 2021. Collection method: clinical testing. Allele origin: germline. Affected: yes.
Comment: Not observed at significant frequency in large population cohorts (gnomAD); In silico analysis supports that this missense variant does not alter protein structure/function; Has not been previously published as pathogenic or benign to our knowledge